The following is an entry in ClinVar:

NM_000642.3(AGL):c.1667T>C (p.Leu556Pro)

Gene: AGL (amylo-alpha-1,6-glucosidase and 4-alpha-glucanotransferase; plus strand). Cytogenetic location: 1p21.2.
Variant type: single nucleotide variant.
Coding change: c.1667T>C on transcript NM_000642.3 (MANE Select); coding-DNA position 1667, T replaced by C.
Protein change: p.Leu556Pro; replaces leucine 556 with proline.
Molecular consequence: missense variant.
Genome position (GRCh38, 1-based): chr1:99,879,978, T>C. VCF-style: chr1-99879978-T-C. GRCh37 (hg19) VCF-style: chr1-100345534-T-C.
Other names: c.1667T>C, p.Leu556Pro (NM_000028.3, NM_000643.3, NM_000644.3 and 2 more transcripts); c.1619T>C, p.Leu540Pro (NM_000646.3); c.1466T>C, p.Leu489Pro (NM_001425327.1); c.1463T>C, p.Leu488Pro (NM_001425328.1, NM_001425329.1); c.1289T>C, p.Leu430Pro (NM_001425332.1); short protein forms L540P, L556P, L430P, L488P, L489P.
Identifiers: ClinVar variation 1432631 (VCV001432631.6), dbSNP rs1367922922, ClinGen allele CA341315593.
Genomic context (GRCh38, chr1:99,879,978, plus strand): 5'-TACAGTACATGTTGGATGCTGCTAGGAATTTGCAACCCAATTTATATGTAGTAGCTGAAC[T>C]GTTCACAGGAAGTGAAGATCTGGACAATGTCTTTGTTACTAGACTGGGCATTAGTTCCTT-3'
Protein context (NP_000633.2, residues 546-566): LQPNLYVVAE[Leu556Pro]FTGSEDLDNV

ClinVar aggregate classification (germline): Uncertain significance (1 of 4 stars; one submission).

Conditions:
Glycogen storage disease type III (GSD3). Also called: FORBES DISEASE; Cori disease. Identifiers: Orphanet 366, MedGen C0017922, MONDO:0009291, OMIM 232400.

Allele frequency attached by ClinVar (database versions not stated): gnomAD 0.00001.

Submission:

Labcorp Genetics (formerly Invitae), Labcorp
Classification: Uncertain significance for Glycogen storage disease type III. Last evaluated: 2025-04-30. Review status: criteria provided, single submitter. Criteria: Invitae Variant Classification Sherloc (09022015). Collection method: clinical testing. Allele origin: germline.
Comment: This sequence change replaces leucine, which is neutral and non-polar, with proline, which is neutral and non-polar, at codon 556 of the AGL protein (p.Leu556Pro). This variant is present in population databases (no rsID available, gnomAD 0.01%). This variant has not been reported in the literature in individuals affected with AGL-related conditions. ClinVar contains an entry for this variant (Variation ID: 1432631). Invitae Evidence Modeling of protein sequence and biophysical properties (such as structural, functional, and spatial information, amino acid conservation, physicochemical variation, residue mobility, and thermodynamic stability) indicates that this missense variant is expected to disrupt AGL protein function with a positive predictive value of 80%. In summary, the available evidence is currently insufficient to determine the role of this variant in disease. Therefore, it has been classified as a Variant of Uncertain Significance.